The following is an entry in ClinVar:

NM_015089.4(CUL9):c.4212G>A (p.Gln1404=)

Gene: CUL9 (cullin 9; plus strand). Cytogenetic location: 6p21.1.
Variant type: single nucleotide variant.
Coding change: c.4212G>A on transcript NM_015089.4 (MANE Select); coding-DNA position 4212, G replaced by A.
Protein change: p.Gln1404=; no amino-acid change (glutamine 1404 retained).
Molecular consequence: synonymous variant.
Genome position (GRCh38, 1-based): chr6:43,204,412, G>A. VCF-style: chr6-43204412-G-A. GRCh37 (hg19) VCF-style: chr6-43172150-G-A.
Identifiers: ClinVar variation 720947 (VCV000720947.5), dbSNP rs61739506, ClinGen allele CA3818069.

ClinVar aggregate classification (germline): Benign. Review status: criteria provided, single submitter (1 of 4 stars). 2 submissions from 2 submitters: Benign (1). 1 of the submissions does not count toward it. Last evaluated 2017-10-09.

Conditions:
CUL9-related disorder. Also called: CUL9-related condition.

Allele frequency attached by ClinVar (database versions not stated): gnomAD 0.00810 and 0.00868; gnomAD exomes 0.00073 and 0.00181; ESP Exome Variant Server 0.00823; TOPMed 0.00887; 1000 Genomes Project 30x 0.00953; ExAC 0.00238; 1000 Genomes Project 0.00839.
gnomAD v4.1: 2,338 of 1,614,142 alleles (0.14%); highest among the groups gnomAD compares: African/African-American, 2.8%; 23 homozygotes.

Submissions (2):

Labcorp Genetics (formerly Invitae), Labcorp
Classification: Benign. Last evaluated: 2017-10-09. Review status: criteria provided, single submitter. Criteria: Invitae Variant Classification Sherloc (09022015). Collection method: clinical testing. Allele origin: germline.

PreventionGenetics, part of Exact Sciences
Classification: Benign for CUL9-related condition. Last evaluated: 2019-04-08. Review status: no assertion criteria provided. Collection method: clinical testing. Allele origin: germline. Not counted in ClinVar's aggregate classification.
Comment: This variant is classified as benign based on ACMG/AMP sequence variant interpretation guidelines (Richards et al. 2015 PMID: 25741868, with internal and published modifications).